The following is an entry in ClinVar:

ClinVar aggregate classification (germline): Uncertain significance (1 of 4 stars; one submission).

Submission:

Labcorp Genetics (formerly Invitae), Labcorp
Classification: Uncertain significance. Last evaluated: 2021-09-01. Review status: criteria provided, single submitter. Criteria: Invitae Variant Classification Sherloc (09022015). Collection method: clinical testing. Allele origin: germline.
Comment: This variant, c.4264_4269del, results in the deletion of 2 amino acid(s) of the KIAA1549 protein (p.Glu1422_Glu1423del), but otherwise preserves the integrity of the reading frame. This variant is not present in population databases (ExAC no frequency). This variant has not been reported in the literature in individuals affected with KIAA1549-related conditions. Experimental studies and prediction algorithms are not available or were not evaluated, and the functional significance of this variant is currently unknown. In summary, the available evidence is currently insufficient to determine the role of this variant in disease. Therefore, it has been classified as a Variant of Uncertain Significance.

NM_001164665.2(KIAA1549):c.4264_4269del (p.Glu1422_Glu1423del)

Gene: KIAA1549 (KIAA1549; minus strand). Cytogenetic location: 7q34.
Variant type: Deletion.
Coding change: c.4264_4269del on transcript NM_001164665.2 (MANE Select); coding-DNA positions 4264 to 4269, 6 bases deleted (GAAGAG; older notation c.4264_4269delGAAGAG).
Protein change: p.Glu1422_Glu1423del.
Molecular consequence: inframe deletion.
Genome position (GRCh38, 1-based): chr7:138,879,614-138,879,619, CTCTTC deleted on the plus strand (GAAGAG on the coding strand, the reverse complement: KIAA1549 is on the minus strand). VCF-style (leftmost placement, unchanged base first): chr7-138879613-ACTCTTC-A. GRCh37 (hg19) VCF-style: chr7-138564359-ACTCTTC-A.
Other names: c.4264_4269del, p.Glu1422_Glu1423del (NM_020910.3).
Identifiers: ClinVar variation 1023277 (VCV001023277.6), dbSNP rs1811186824, ClinGen allele CA1746843977.
Genomic context (GRCh38, chr7:138,879,613, plus strand): 5'-TGTGGGACCTGCCATCGTTGACGGCTCCCGGCGTCTTATCTCCTGCGTCCCTCTCGCTGG[ACTCTTC>A]ACTGACCGTAGAGTCAGCATCTGAGGGAGAAACTCTGCAGACACAAAATGAATTGCAAAC-3'